The following is an entry in ClinVar:

ClinVar aggregate classification (germline): Uncertain significance (1 of 4 stars; one submission).

Allele frequency attached by ClinVar (database versions not stated): 1000 Genomes Project 30x 0.00031; TOPMed 0.00002; 1000 Genomes Project 0.00020.
gnomAD v4.1: 42 of 1,607,314 alleles (0.0026%); highest among the groups gnomAD compares: South Asian, 0.03%; no homozygotes.

Submission:

Labcorp Genetics (formerly Invitae), Labcorp
Classification: Uncertain significance. Last evaluated: 2022-07-19. Review status: criteria provided, single submitter. Criteria: Invitae Variant Classification Sherloc (09022015). Collection method: clinical testing. Allele origin: germline.
Comment: This sequence change replaces proline, which is neutral and non-polar, with arginine, which is basic and polar, at codon 121 of the WHRN protein (p.Pro121Arg). This variant is present in population databases (rs549584611, gnomAD 0.02%). This variant has not been reported in the literature in individuals affected with WHRN-related conditions. ClinVar contains an entry for this variant (Variation ID: 971725). Algorithms developed to predict the effect of missense changes on protein structure and function (SIFT, PolyPhen-2, Align-GVGD) all suggest that this variant is likely to be tolerated. In summary, the available evidence is currently insufficient to determine the role of this variant in disease. Therefore, it has been classified as a Variant of Uncertain Significance.

NM_015404.4(WHRN):c.362C>G (p.Pro121Arg)

Gene: WHRN (whirlin; minus strand). Cytogenetic location: 9q32.
Variant type: single nucleotide variant.
Coding change: c.362C>G on transcript NM_015404.4 (MANE Select); coding-DNA position 362, C replaced by G.
Protein change: p.Pro121Arg; replaces proline 121 with arginine.
Molecular consequence: missense variant.
Genome position (GRCh38, 1-based): chr9:114,504,440, G>C on the plus strand (C>G on the coding strand, the complement: WHRN is on the minus strand). VCF-style: chr9-114504440-G-C. GRCh37 (hg19) VCF-style: chr9-117266720-G-C.
Other names: c.362C>G, p.Pro121Arg (NM_001173425.2); short protein forms P121R.
Identifiers: ClinVar variation 971725 (VCV000971725.5), dbSNP rs549584611, ClinGen allele CA5206302.